The following is an entry in ClinVar:

ClinVar aggregate classification (germline): Uncertain significance. Review status: criteria provided, multiple submitters, no conflicts (2 of 4 stars). 2 submissions from 2 submitters: Uncertain significance (2). Last evaluated 2021-09-01.

Conditions:
Inborn genetic diseases. Identifiers: MedGen C0950123, MeSH D030342.
Hereditary spastic paraplegia 11. Also called: SPASTIC PARAPLEGIA, AUTOSOMAL RECESSIVE, COMPLICATED, WITH THIN CORPUS CALLOSUM; SPASTIC PARAPLEGIA, AUTOSOMAL RECESSIVE, WITH MENTAL IMPAIRMENT AND THIN CORPUS CALLOSUM; Spastic paraplegia, mental retardation and thin corpus callosum; Nakamura Osame syndrome; Autosomal recessive hereditary spastic paraplegia, mental impairment, and thin corpus callosum; Spastic Paraplegia 11. Identifiers: Orphanet 2822, MedGen C1858479, MONDO:0011445, OMIM 604360.

Allele frequency attached by ClinVar (database versions not stated): gnomAD exomes below 0.00001; TOPMed below 0.00001; ExAC 0.00001; gnomAD 0.00002.
gnomAD v4.1: 9 of 1,613,620 alleles (0.00056%); highest among the groups gnomAD compares: African/African-American, 0.0027%; no homozygotes.

Submissions (2):

Labcorp Genetics (formerly Invitae), Labcorp
Classification: Uncertain significance for Hereditary spastic paraplegia 11. Last evaluated: 2021-09-01. Review status: criteria provided, single submitter. Criteria: Invitae Variant Classification Sherloc (09022015). Collection method: clinical testing. Allele origin: germline.
Comment: This sequence change replaces valine with isoleucine at codon 670 of the SPG11 protein (p.Val670Ile). The valine residue is moderately conserved and there is a small physicochemical difference between valine and isoleucine. This variant is present in population databases (rs761249365, ExAC 0.01%). This variant has not been reported in the literature in individuals affected with SPG11-related conditions. Algorithms developed to predict the effect of missense changes on protein structure and function output the following: SIFT: "Tolerated"; PolyPhen-2: "Benign"; Align-GVGD: "Class C0". The isoleucine amino acid residue is found in multiple mammalian species, which suggests that this missense change does not adversely affect protein function. In summary, the available evidence is currently insufficient to determine the role of this variant in disease. Therefore, it has been classified as a Variant of Uncertain Significance.

Ambry Genetics
Classification: Uncertain significance for Inborn genetic diseases. Last evaluated: 2020-10-20. Review status: criteria provided, single submitter. Criteria: Ambry Variant Classification Scheme 2023. Collection method: clinical testing. Allele origin: germline.
Comment: The p.V670I variant (also known as c.2008G>A), located in coding exon 10 of the SPG11 gene, results from a G to A substitution at nucleotide position 2008. The valine at codon 670 is replaced by isoleucine, an amino acid with highly similar properties. This amino acid position is not well conserved in available vertebrate species. In addition, this alteration is predicted to be tolerated by in silico analysis. Since supporting evidence is limited at this time, the clinical significance of this alteration remains unclear.

NM_025137.4(SPG11):c.2008G>A (p.Val670Ile)

Gene: SPG11 (SPG11 vesicle trafficking associated, spatacsin; minus strand). Cytogenetic location: 15q21.1.
Variant type: single nucleotide variant.
Coding change: c.2008G>A on transcript NM_025137.4 (MANE Select); coding-DNA position 2008, G replaced by A.
Protein change: p.Val670Ile; replaces valine 670 with isoleucine.
Molecular consequence: missense variant.
Genome position (GRCh38, 1-based): chr15:44,628,728, C>T on the plus strand (G>A on the coding strand, the complement: SPG11 is on the minus strand). VCF-style: chr15-44628728-C-T. GRCh37 (hg19) VCF-style: chr15-44920926-C-T.
Other names: c.2008G>A, p.Val670Ile (NM_001160227.2); short protein forms V670I.
Identifiers: ClinVar variation 659417 (VCV000659417.7), dbSNP rs761249365, ClinGen allele CA7535373.